The following is an entry in ClinVar:

ClinVar aggregate classification (germline): Conflicting classifications of pathogenicity. Review status: criteria provided, conflicting classifications (1 of 4 stars). 5 submissions from 5 submitters: Uncertain significance (4); Likely benign (1). Last evaluated 2026-04-09.

Conditions:
TRPV4-related disorder. Also called: TRPV4-related disorders; TRPV4-related condition.
Inborn genetic diseases. Identifiers: MedGen C0950123, MeSH D030342.
Charcot-Marie-Tooth disease axonal type 2C (HMSN2C). Also called: CHARCOT-MARIE-TOOTH DISEASE, AXONAL, AUTOSOMAL DOMINANT, TYPE 2C; Charcot-Marie-Tooth Neuropathy Type 2C; Charcot-Marie-Tooth Disease Type 2, TRPV4-Related (CMT2C). Identifiers: Orphanet 99937, MedGen C1853710, MONDO:0011633, OMIM 606071.

Allele frequency attached by ClinVar (database versions not stated): gnomAD 0.00007 and 0.00006; TOPMed 0.00006.
gnomAD v4.1: 26 of 1,613,374 alleles (0.0016%); highest among the groups gnomAD compares: Middle Eastern, 0.033%; 1 homozygote.

Submissions (5):

PreventionGenetics, part of Exact Sciences
Classification: Uncertain significance for TRPV4-related condition. Last evaluated: 2026-04-09. Review status: criteria provided, single submitter. Criteria: ACMG Guidelines, 2015. Collection method: clinical testing. Allele origin: germline.
Comment: The TRPV4 c.143C>T variant is predicted to result in the amino acid substitution p.Ser48Leu. To our knowledge, this variant has not been reported in the literature. This variant is reported in 0.0081% of alleles in individuals of African descent in gnomAD. At this time, the clinical significance of this variant is uncertain due to the absence of conclusive functional and genetic evidence.

Labcorp Genetics (formerly Invitae), Labcorp
Classification: Uncertain significance for Charcot-Marie-Tooth disease axonal type 2C. Last evaluated: 2025-01-29. Review status: criteria provided, single submitter. Criteria: Invitae Variant Classification Sherloc (09022015). Collection method: clinical testing. Allele origin: germline.
Comment: This sequence change replaces serine, which is neutral and polar, with leucine, which is neutral and non-polar, at codon 48 of the TRPV4 protein (p.Ser48Leu). This variant is present in population databases (rs756185743, gnomAD 0.008%). This variant has not been reported in the literature in individuals affected with TRPV4-related conditions. ClinVar contains an entry for this variant (Variation ID: 390141). Invitae Evidence Modeling of protein sequence and biophysical properties (such as structural, functional, and spatial information, amino acid conservation, physicochemical variation, residue mobility, and thermodynamic stability) indicates that this missense variant is not expected to disrupt TRPV4 protein function with a negative predictive value of 95%. In summary, the available evidence is currently insufficient to determine the role of this variant in disease. Therefore, it has been classified as a Variant of Uncertain Significance.

Ambry Genetics
Classification: Uncertain significance for Inborn genetic diseases. Last evaluated: 2023-11-10. Review status: criteria provided, single submitter. Criteria: Ambry Variant Classification Scheme 2023. Collection method: clinical testing. Allele origin: germline.

Athena Diagnostics
Classification: Uncertain significance. Last evaluated: 2020-03-25. Review status: criteria provided, single submitter. Criteria: Athena Diagnostics Criteria. Collection method: clinical testing. Allele origin: unknown.

GeneDx
Classification: Likely benign. Last evaluated: 2018-12-11. Review status: criteria provided, single submitter. Criteria: GeneDx Variant Classification Process June 2021. Collection method: clinical testing. Allele origin: germline. Affected: yes.

NM_021625.5(TRPV4):c.143C>T (p.Ser48Leu)

Gene: TRPV4 (transient receptor potential cation channel subfamily V member 4; minus strand). Cytogenetic location: 12q24.11.
Variant type: single nucleotide variant.
Coding change: c.143C>T on transcript NM_021625.5 (MANE Select); coding-DNA position 143, C replaced by T.
Protein change: p.Ser48Leu; replaces serine 48 with leucine.
Molecular consequence: missense variant. On other transcripts: intron variant (1).
Genome position (GRCh38, 1-based): chr12:109,814,654, G>A on the plus strand (C>T on the coding strand, the complement: TRPV4 is on the minus strand). VCF-style: chr12-109814654-G-A. GRCh37 (hg19) VCF-style: chr12-110252459-G-A.
Other names: c.143C>T, p.Ser48Leu (NM_001177428.2, NM_001177433.2, NM_147204.3); c.80-39C>T (NM_001177431.1); short protein forms S48L.
Identifiers: ClinVar variation 390141 (VCV000390141.13), dbSNP rs756185743, ClinGen allele CA6780614.
Genomic context (GRCh38, chr12:109,814,654, plus strand): 5'-CGCAGATTTGGTCGCCCATCGCCTGGGCCAGCAGGGCGACTGGCATCAGCCGGTGAGGGC[G>A]AAAGGGAGCCATCCTCCCCCTCAAACAGATTGGCCAGGGAGGAGAGAGGAAAAGCCTCCC-3'
Protein context (NP_067638.3, residues 38-58): NLFEGEDGSL[Ser48Leu]PSPADASRPA